The following is an entry in ClinVar:

NM_001048174.2(MUTYH):c.813G>A (p.Gln271=)

Gene: MUTYH (mutY DNA glycosylase; minus strand). Cytogenetic location: 1p34.1.
Variant type: single nucleotide variant.
Coding change: c.813G>A on transcript NM_001048174.2 (MANE Select); coding-DNA position 813, G replaced by A.
Protein change: p.Gln271=; no amino-acid change (glutamine 271 retained).
Molecular consequence: synonymous variant. On other transcripts: non-coding transcript variant (7).
Genome position (GRCh38, 1-based): chr1:45,332,202, C>T on the plus strand (G>A on the coding strand, the complement: MUTYH is on the minus strand). VCF-style: chr1-45332202-C-T. GRCh37 (hg19) VCF-style: chr1-45797874-C-T.
Other names: c.813G>A, p.Gln271= (NM_001048171.2, NM_001048173.2, NM_001293195.2 and 6 more transcripts); c.816G>A, p.Gln272= (NM_001048172.2, NM_001407071.1, NM_001407078.1 and 1 more transcripts); c.897G>A, p.Gln299= (NM_001128425.2); c.858G>A, p.Gln286= (NM_001293190.2); c.846G>A, p.Gln282= (NM_001293191.2, NM_001407069.1, NM_001407077.1); c.537G>A, p.Gln179= (NM_001293192.2, NM_001293196.2, NM_001407091.1); c.468G>A, p.Gln156= (NM_001350650.2, NM_001350651.2, NM_001407082.1); c.729G>A, p.Gln243= (NM_001407075.1); and 5 more.
Identifiers: ClinVar variation 3387081 (VCV003387081.3).
Genomic context (GRCh38, chr1:45,332,202, plus strand): 5'-CTGCCCCTTCCCCAGTAGGCTTACTCTCTGGCGTGCCCGGCACAGGCTCTCCACAGGGCA[C>T]TGGCTGCACAGTGGGCGCTGTGGGGTACACACTGTGGCCCCTAGCTCCATGGCTGCTTGG-3'
Protein context (NP_001041639.1, residues 261-281): VCTPQRPLCS[Gln271=]CPVESLCRAR

ClinVar aggregate classification (germline): Likely benign. Review status: criteria provided, multiple submitters, no conflicts (2 of 4 stars). 3 submissions from 3 submitters: Likely benign (3). Last evaluated 2025-01-30.

Conditions:
Hereditary cancer-predisposing syndrome. Also called: Hereditary Cancer Syndrome; Neoplastic Syndromes, Hereditary; Tumor predisposition; Hereditary neoplastic syndrome. Identifiers: Orphanet 140162, MedGen C0027672, MeSH D009386, MONDO:0015356.
Familial adenomatous polyposis 2. Also called: MUTYH Polyposis; COLORECTAL ADENOMATOUS POLYPOSIS, AUTOSOMAL RECESSIVE; MYH-associated polyposis; MUTYH-associated polyposis; Adenomas, multiple colorectal; ADENOMAS, MULTIPLE COLORECTAL, AUTOSOMAL RECESSIVE. Identifiers: Orphanet 220460, Orphanet 247798, MedGen C3272841, MONDO:0012041, OMIM 608456.

Submissions (3):

Ambry Genetics
Classification: Likely benign for Hereditary cancer-predisposing syndrome. Last evaluated: 2025-01-30. Review status: criteria provided, single submitter. Criteria: Ambry Variant Classification Scheme 2023. Collection method: clinical testing. Allele origin: germline.

All of Us Research Program, National Institutes of Health
Classification: Likely benign for Familial adenomatous polyposis 2. Last evaluated: 2024-02-22. Review status: criteria provided, single submitter. Criteria: ACMG Guidelines, 2015. Collection method: clinical testing. Allele origin: germline. Inheritance: Autosomal recessive inheritance. Observed: 1 variant allele, 1 heterozygote.
Comment: This study involves interpretation of variants in research participants for the purpose of population health screening. Participant phenotype was not available at the time of variant classification. Additional details can be found in publication PMID: 35346344, PMCID: PMC8962531

Blueprint Genetics
Classification: Likely benign. Last evaluated: 2023-05-17. Review status: criteria provided, single submitter. Criteria: ACMG Guidelines, 2015. Collection method: clinical testing. Allele origin: germline.